The following is an entry in ClinVar:

ClinVar aggregate classification (germline): Likely benign (1 of 4 stars; one submission).

gnomAD v4.1: 31 of 1,613,988 alleles (0.0019%); highest among the groups gnomAD compares: South Asian, 0.0055%; no homozygotes.

Submission:

Mayo Clinic Laboratories, Mayo Clinic
Classification: Likely benign. Last evaluated: 2025-05-20. Review status: criteria provided, single submitter. Criteria: ACMG Guidelines, 2015. Collection method: clinical testing. Allele origin: germline. Observed: 1 variant allele.
Comment: BP4, BP7

NM_015378.4(VPS13D):c.3096G>A (p.Thr1032=)

Gene: VPS13D (vacuolar protein sorting 13 homolog D; plus strand). Cytogenetic location: 1p36.22.
Variant type: single nucleotide variant.
Coding change: c.3096G>A on transcript NM_015378.4 (MANE Select); coding-DNA position 3096, G replaced by A.
Protein change: p.Thr1032=; no amino-acid change (threonine 1032 retained).
Molecular consequence: synonymous variant.
Genome position (GRCh38, 1-based): chr1:12,276,684, G>A. VCF-style: chr1-12276684-G-A. GRCh37 (hg19) VCF-style: chr1-12336741-G-A.
Other names: p.Thr1032=; c.3096G>A, p.Thr1032= (NM_018156.4).
Identifiers: ClinVar variation 4684625 (VCV004684625.1).